The following is an entry in ClinVar:

ClinVar aggregate classification (germline): Likely benign (0 of 4 stars; one submission).

Conditions:
OXR1-related disorder. Also called: OXR1-related condition.

Submission:

PreventionGenetics, part of Exact Sciences
Classification: Likely benign for OXR1-related condition. Last evaluated: 2020-10-22. Review status: no assertion criteria provided. Collection method: clinical testing. Allele origin: germline.
Comment: This variant is classified as likely benign based on ACMG/AMP sequence variant interpretation guidelines (Richards et al. 2015 PMID: 25741868, with internal and published modifications).

NM_001198533.2(OXR1):c.526-4_526-2del

Gene: OXR1 (oxidation resistance 1; plus strand). Cytogenetic location: 8q23.1.
Variant type: Deletion.
Coding change: c.526-4_526-2del on transcript NM_001198533.2 (MANE Select); 4 bases into the intron before coding-DNA position 526 through the canonical splice acceptor site of the intron before coding-DNA position 526, 3 bases deleted (AAA; older notation c.526-4_526-2delAAA).
Molecular consequence: splice acceptor variant.
Genome position (GRCh38, 1-based): chr8:106,692,724-106,692,726, AAA deleted; deleting any 3 consecutive bases within chr8:106,692,713-106,692,726 gives the same sequence; the c. name uses the placement nearest the transcript's 3' end. VCF-style (leftmost placement, unchanged base first): chr8-106692712-TAAA-T. GRCh37 (hg19) VCF-style: chr8-107704940-TAAA-T.
Other names: c.526-4_526-2del (NM_018002.3); c.529-4_529-2del (NM_001198532.1); c.505-4_505-2del (NM_181354.4); c.529-4_529-2delAAA (NM_001198532.1).
Identifiers: ClinVar variation 3044824 (VCV003044824.2), dbSNP rs750764834, ClinGen allele CA4840260.